The following is an entry in ClinVar:

NM_199420.4(POLQ):c.4748A>G (p.His1583Arg)

Gene: POLQ (DNA polymerase theta; minus strand). Cytogenetic location: 3q13.33.
Variant type: single nucleotide variant.
Coding change: c.4748A>G on transcript NM_199420.4 (MANE Select); coding-DNA position 4748, A replaced by G.
Protein change: p.His1583Arg; replaces histidine 1583 with arginine.
Molecular consequence: missense variant.
Genome position (GRCh38, 1-based): chr3:121,488,183, T>C on the plus strand (A>G on the coding strand, the complement: POLQ is on the minus strand). VCF-style: chr3-121488183-T-C. GRCh37 (hg19) VCF-style: chr3-121207030-T-C.
Other names: short protein forms H1583R.
Identifiers: ClinVar variation 1742807 (VCV001742807.3), dbSNP rs771693032, ClinGen allele CA2562849.

ClinVar aggregate classification (germline): Uncertain significance (1 of 4 stars; one submission).

Allele frequency attached by ClinVar (database versions not stated): ExAC 0.00001; gnomAD exomes 0.00001.
gnomAD v4.1: 3 of 1,613,642 alleles (0.00019%); highest among the groups gnomAD compares: Non-Finnish European, 0.00025%; no homozygotes.

Submission:

Ambry Genetics
Classification: Uncertain significance. Last evaluated: 2024-10-21. Review status: criteria provided, single submitter. Criteria: Ambry Variant Classification Scheme 2023. Collection method: clinical testing. Allele origin: germline.
Comment: The p.H1583R variant (also known as c.4748A>G), located in coding exon 16 of the POLQ gene, results from an A to G substitution at nucleotide position 4748. The histidine at codon 1583 is replaced by arginine, an amino acid with highly similar properties. This amino acid position is conserved. In addition, this alteration is predicted to be tolerated by in silico analysis. Since supporting evidence is limited at this time, the clinical significance of this alteration remains unclear.